The following is an entry in ClinVar:

NM_000179.3(MSH6):c.3970G>A (p.Glu1324Lys)

Gene: MSH6 (mutS homolog 6; plus strand). Cytogenetic location: 2p16.3.
Variant type: single nucleotide variant.
Coding change: c.3970G>A on transcript NM_000179.3 (MANE Select); coding-DNA position 3970, G replaced by A.
Protein change: p.Glu1324Lys; replaces glutamic acid 1324 with lysine.
Molecular consequence: missense variant.
Genome position (GRCh38, 1-based): chr2:47,806,620, G>A. VCF-style: chr2-47806620-G-A. GRCh37 (hg19) VCF-style: chr2-48033759-G-A.
Other names: c.3580G>A, p.Glu1194Lys (NM_001281492.2); c.3064G>A, p.Glu1022Lys (NM_001281493.2, NM_001281494.2); short protein forms E1194K, E1324K, E1022K.
Identifiers: ClinVar variation 957659 (VCV000957659.8), dbSNP rs540890590, ClinGen allele CA346761559.

ClinVar aggregate classification (germline): Uncertain significance. Review status: criteria provided, multiple submitters, no conflicts (2 of 4 stars). 2 submissions from 2 submitters: Uncertain significance (2). Last evaluated 2024-08-29.

Conditions:
Hereditary nonpolyposis colorectal neoplasms. Identifiers: MedGen C0009405, MeSH D003123.
Hereditary cancer-predisposing syndrome. Also called: Tumor predisposition; Hereditary neoplastic syndrome; Neoplastic Syndromes, Hereditary; Hereditary Cancer Syndrome. Identifiers: Orphanet 140162, MedGen C0027672, MeSH D009386, MONDO:0015356.

Allele frequency attached by ClinVar (database versions not stated): gnomAD exomes below 0.00001.
gnomAD v4.1: 2 of 1,612,338 alleles (0.00012%); highest among the groups gnomAD compares: Non-Finnish European, 0.00017%; no homozygotes.

Submissions (2):

Ambry Genetics
Classification: Uncertain significance for Hereditary cancer-predisposing syndrome. Last evaluated: 2024-08-29. Review status: criteria provided, single submitter. Criteria: Ambry Variant Classification Scheme 2023. Collection method: clinical testing. Allele origin: germline.
Comment: The p.E1324K variant (also known as c.3970G>A), located in coding exon 9 of the MSH6 gene, results from a G to A substitution at nucleotide position 3970. The glutamic acid at codon 1324 is replaced by lysine, an amino acid with similar properties. This amino acid position is highly conserved in available vertebrate species. In addition, this alteration is predicted to be deleterious by in silico analysis. Based on the available evidence, the clinical significance of this variant remains unclear.

Labcorp Genetics (formerly Invitae), Labcorp
Classification: Uncertain significance for Hereditary nonpolyposis colorectal neoplasms. Last evaluated: 2023-04-07. Review status: criteria provided, single submitter. Criteria: Invitae Variant Classification Sherloc (09022015). Collection method: clinical testing. Allele origin: germline.
Comment: This sequence change replaces glutamic acid, which is acidic and polar, with lysine, which is basic and polar, at codon 1324 of the MSH6 protein (p.Glu1324Lys). This variant is not present in population databases (gnomAD no frequency). This variant has not been reported in the literature in individuals affected with MSH6-related conditions. ClinVar contains an entry for this variant (Variation ID: 957659). Advanced modeling of protein sequence and biophysical properties (such as structural, functional, and spatial information, amino acid conservation, physicochemical variation, residue mobility, and thermodynamic stability) has been performed at Invitae for this missense variant, however the output from this modeling did not meet the statistical confidence thresholds required to predict the impact of this variant on MSH6 protein function. In summary, the available evidence is currently insufficient to determine the role of this variant in disease. Therefore, it has been classified as a Variant of Uncertain Significance.